The following is an entry in ClinVar:

NM_003673.4(TCAP):c.457C>T (p.Arg153Cys)

Gene: TCAP (titin-cap; plus strand). Cytogenetic location: 17q12.
Variant type: single nucleotide variant.
Coding change: c.457C>T on transcript NM_003673.4 (MANE Select); coding-DNA position 457, C replaced by T.
Protein change: p.Arg153Cys; replaces arginine 153 with cysteine.
Molecular consequence: missense variant.
Genome position (GRCh38, 1-based): chr17:39,666,062, C>T. VCF-style: chr17-39666062-C-T. GRCh37 (hg19) VCF-style: chr17-37822315-C-T.
Other names: short protein forms R153C.
Identifiers: ClinVar variation 1810044 (VCV001810044.5), dbSNP rs761498487, ClinGen allele CA8532912.

ClinVar aggregate classification (germline): Uncertain significance. Review status: criteria provided, multiple submitters, no conflicts (2 of 4 stars). 3 submissions from 3 submitters: Uncertain significance (3). Last evaluated 2026-02-02.

Conditions:
Hypertrophic cardiomyopathy 25 (CMH25). Also called: CARDIOMYOPATHY, FAMILIAL HYPERTROPHIC, 25. Identifiers: MedGen C4225408, MONDO:0011843, OMIM 607487.
Primary familial hypertrophic cardiomyopathy (HCM). Identifiers: Orphanet 99739, MedGen C0949658, MeSH D024741, MONDO:0024573. Inheritance: Various modes of inheritance.
Cardiovascular phenotype. Identifiers: MedGen CN230736.

Submissions (3):

GeneDx
Classification: Uncertain significance. Last evaluated: 2026-02-02. Review status: criteria provided, single submitter. Criteria: GeneDx Variant Classification Process June 2021. Collection method: clinical testing. Allele origin: germline. Affected: yes.
Comment: Has not been previously published as pathogenic or benign to our knowledge; Not observed at significant frequency in large population cohorts (gnomAD); In silico analysis supports that this missense variant does not alter protein structure/function; This variant is associated with the following publications: (PMID: 16490376)

Labcorp Genetics (formerly Invitae), Labcorp
Classification: Uncertain significance for Hypertrophic cardiomyopathy 25; Primary familial hypertrophic cardiomyopathy. Last evaluated: 2025-09-28. Review status: criteria provided, single submitter. Criteria: Invitae Variant Classification Sherloc (09022015). Collection method: clinical testing. Allele origin: germline.
Comment: This sequence change replaces arginine, which is basic and polar, with cysteine, which is neutral and slightly polar, at codon 153 of the TCAP protein (p.Arg153Cys). This variant is present in population databases (rs761498487, gnomAD 0.007%). This variant has not been reported in the literature in individuals affected with TCAP-related conditions. ClinVar contains an entry for this variant (Variation ID: 1810044). An algorithm developed to predict the effect of missense changes on protein structure and function outputs the following: PolyPhen-2: "Benign". The cysteine amino acid residue is found in multiple mammalian species, which suggests that this missense change does not adversely affect protein function. In summary, the available evidence is currently insufficient to determine the role of this variant in disease. Therefore, it has been classified as a Variant of Uncertain Significance.

Ambry Genetics
Classification: Uncertain significance for Cardiovascular phenotype. Last evaluated: 2024-07-03. Review status: criteria provided, single submitter. Criteria: Ambry Variant Classification Scheme 2023. Collection method: clinical testing. Allele origin: germline.
Comment: The p.R153C variant (also known as c.457C>T), located in coding exon 2 of the TCAP gene, results from a C to T substitution at nucleotide position 457. The arginine at codon 153 is replaced by cysteine, an amino acid with highly dissimilar properties. This variant was detected in a cardiomyopathy genetic testing cohort; however, clinical details were limited, and additional cardiac variants were detected in some cases (van Lint FHM et al. Neth Heart J, 2019 Jun;27:304-309). This amino acid position is not well conserved in available vertebrate species. In addition, this alteration is predicted to be tolerated by in silico analysis. Based on the available evidence, the clinical significance of this variant remains unclear.

Literature cited by the submitters: PubMed 30847666 (cited by Ambry Genetics).